The following is an entry in ClinVar:

NM_003072.5(SMARCA4):c.915G>A (p.Pro305=)

Gene: SMARCA4 (SWI/SNF related BAF chromatin remodeling complex subunit ATPase 4; plus strand). Cytogenetic location: 19p13.2.
Variant type: single nucleotide variant.
Coding change: c.915G>A on transcript NM_003072.5 (MANE Select); coding-DNA position 915, G replaced by A.
Protein change: p.Pro305=; no amino-acid change (proline 305 retained).
Molecular consequence: synonymous variant. On other transcripts: non-coding transcript variant (1).
Genome position (GRCh38, 1-based): chr19:10,987,721, G>A. VCF-style: chr19-10987721-G-A. GRCh37 (hg19) VCF-style: chr19-11098397-G-A.
Other names: c.915G>A, p.Pro305= (NM_001128844.3, NM_001128845.2, NM_001128846.2 and 5 more transcripts).
Identifiers: ClinVar variation 126366 (VCV000126366.29), dbSNP rs149573400, ClinGen allele CA151123.

ClinVar aggregate classification (germline): Benign. Review status: criteria provided, multiple submitters, no conflicts (2 of 4 stars). 10 submissions from 10 submitters: Benign (9). 1 of the submissions does not count toward it. Last evaluated 2026-07-09.

Conditions:
Coffin-Siris syndrome. Identifiers: Orphanet 1465, MedGen C0265338, MONDO:0015452.
Hereditary cancer-predisposing syndrome. Also called: Neoplastic Syndromes, Hereditary; Tumor predisposition; Hereditary neoplastic syndrome; Hereditary Cancer Syndrome. Identifiers: Orphanet 140162, MedGen C0027672, MeSH D009386, MONDO:0015356.
Intellectual disability, autosomal dominant 16 (CSS4). Also called: COFFIN-SIRIS SYNDROME 4. Identifiers: Orphanet 1465, MedGen C3553249, MONDO:0013821, OMIM 614609.
Rhabdoid tumor predisposition syndrome 2 (RTPS2). Identifiers: Orphanet 231108, Orphanet 69077, MedGen C2750074, MONDO:0013224, OMIM 613325.

Allele frequency attached by ClinVar (database versions not stated): gnomAD exomes 0.00323; gnomAD 0.01304 and 0.01397; ExAC 0.00455; TOPMed 0.01475; ESP Exome Variant Server 0.01554; 1000 Genomes Project 0.01717; 1000 Genomes Project 30x 0.01811.
gnomAD v4.1: 3,951 of 1,609,678 alleles (0.25%); highest among the groups gnomAD compares: African/African-American, 4.7%; 70 homozygotes.

Submissions (10):

Myriad Genetics, Inc.
Classification: Benign for Rhabdoid tumor predisposition syndrome 2. Last evaluated: 2026-07-09. Review status: criteria provided, single submitter. Criteria: Myriad Autosomal Dominant, Autosomal Recessive and X-Linked Classification Criteria (2023). Collection method: clinical testing. Allele origin: unknown.
Comment: This variant is considered benign. This variant is a silent/synonymous amino acid change and it is not expected to impact splicing.

Labcorp Genetics (formerly Invitae), Labcorp
Classification: Benign for Rhabdoid tumor predisposition syndrome 2. Last evaluated: 2026-02-04. Review status: criteria provided, single submitter. Criteria: Invitae Variant Classification Sherloc (09022015). Collection method: clinical testing. Allele origin: germline.

Quest Diagnostics Nichols Institute San Juan Capistrano
Classification: Benign. Last evaluated: 2025-07-11. Review status: criteria provided, single submitter. Criteria: Quest Diagnostics criteria. Collection method: clinical testing. Allele origin: unknown.

ARUP Laboratories, Molecular Genetics and Genomics, ARUP Laboratories
Classification: Benign. Last evaluated: 2025-06-04. Review status: criteria provided, single submitter. Criteria: ARUP Molecular Germline Variant Investigation Process 2024. Collection method: clinical testing. Allele origin: germline.

Genome-Nilou Lab
Classification: Benign for Intellectual disability, autosomal dominant 16. Last evaluated: 2021-07-15. Review status: criteria provided, single submitter. Criteria: ACMG Guidelines, 2015. Collection method: clinical testing. Allele origin: germline. Affected: no.

Illumina Laboratory Services, Illumina
Classification: Benign for Coffin-Siris syndrome. Last evaluated: 2018-01-12. Review status: criteria provided, single submitter. Criteria: ICSL Variant Classification Criteria 13 December 2019. Collection method: clinical testing. Allele origin: germline.
Comment: This variant was observed in the ICSL laboratory as part of a predisposition screen in an ostensibly healthy population. It had not been previously curated by ICSL or reported in the Human Gene Mutation Database (HGMD: prior to June 1st, 2018), and was therefore a candidate for classification through an automated scoring system. Utilizing variant allele frequency, disease prevalence and penetrance estimates, and inheritance mode, an automated score was calculated to assess if this variant is too frequent to cause the disease. Based on the score and internal cut-off values, a variant classified as benign is not then subjected to further curation. The score for this variant resulted in a classification of benign for this disease.

GeneDx
Classification: Benign. Last evaluated: 2017-02-01. Review status: criteria provided, single submitter. Criteria: GeneDx Variant Classification (06012015). Collection method: clinical testing. Allele origin: germline. Affected: yes.
Comment: This variant is considered likely benign or benign based on one or more of the following criteria: it is a conservative change, it occurs at a poorly conserved position in the protein, it is predicted to be benign by multiple in silico algorithms, and/or has population frequency not consistent with disease.

Ambry Genetics
Classification: Benign for Hereditary cancer-predisposing syndrome. Last evaluated: 2015-05-20. Review status: criteria provided, single submitter. Criteria: Ambry Variant Classification Scheme 2023. Collection method: clinical testing. Allele origin: germline.

Breakthrough Genomics
Classification: Benign. Review status: criteria provided, single submitter. Criteria: ACMG Guidelines, 2015. Collection method: not provided. Allele origin: germline. Inheritance: Autosomal dominant inheritance. Affected: yes.

Genetic Services Laboratory, University of Chicago
Classification: Likely benign for AllHighlyPenetrant. Review status: no assertion criteria provided. Collection method: clinical testing. Allele origin: germline. Inheritance: Autosomal dominant inheritance. Observed: 3 variant alleles. Not counted in ClinVar's aggregate classification.
Comment: Likely benign based on allele frequency in 1000 Genomes Project or ESP global frequency and its presence in a patient with a rare or unrelated disease phenotype. NOT Sanger confirmed.